The following is an entry in ClinVar:

NM_000742.4(CHRNA2):c.1151C>T (p.Pro384Leu)

Gene: CHRNA2 (cholinergic receptor nicotinic alpha 2 subunit; minus strand). Cytogenetic location: 8p21.2.
Variant type: single nucleotide variant.
Coding change: c.1151C>T on transcript NM_000742.4 (MANE Select); coding-DNA position 1151, C replaced by T.
Protein change: p.Pro384Leu; replaces proline 384 with leucine.
Molecular consequence: missense variant.
Genome position (GRCh38, 1-based): chr8:27,463,292, G>A on the plus strand (C>T on the coding strand, the complement: CHRNA2 is on the minus strand). VCF-style: chr8-27463292-G-A. GRCh37 (hg19) VCF-style: chr8-27320809-G-A.
Other names: c.1106C>T, p.Pro369Leu (NM_001282455.2); c.674C>T, p.Pro225Leu (NM_001347705.2, NM_001347706.2); c.557C>T, p.Pro186Leu (NM_001347707.2, NM_001347708.2); short protein forms P225L, P369L, P384L, P186L.
Identifiers: ClinVar variation 960624 (VCV000960624.7), dbSNP rs777510962, ClinGen allele CA4689516.
Genomic context (GRCh38, chr8:27,463,292, plus strand): 5'-AGCCAGTGATAAGAGGGGCTGAGCTTCAGGCGTAGGGGGTGGCAGAGCTCCACGGGTGGT[G>A]GGGGCCGGTTCATCAGAAGCCACCGGGGCACACAGCCCAGAAGGGCCCCCCGCACCCAGT-3'
Protein context (NP_000733.2, residues 374-394): VPRWLLMNRP[Pro384Leu]PPVELCHPLR

ClinVar aggregate classification (germline): Conflicting classifications of pathogenicity. Review status: criteria provided, conflicting classifications (1 of 4 stars). 2 submissions from 2 submitters: Uncertain significance (1); Likely benign (1). Last evaluated 2025-04-13.

Conditions:
Familial sleep-related hypermotor epilepsy. Also called: Autosomal Dominant Sleep-Related Hypermotor (Hyperkinetic) Epilepsy. Identifiers: Orphanet 98784, MedGen C3696898, MONDO:0000030.
Inborn genetic diseases. Identifiers: MedGen C0950123, MeSH D030342.

Allele frequency attached by ClinVar (database versions not stated): gnomAD exomes below 0.00001 and 0.00001; TOPMed below 0.00001; ExAC 0.00001; gnomAD 0.00001.
gnomAD v4.1: 8 of 1,609,482 alleles (0.0005%); highest among the groups gnomAD compares: Non-Finnish European, 0.00068%; no homozygotes.

Submissions (2):

Ambry Genetics
Classification: Likely benign for Inborn genetic diseases. Last evaluated: 2025-04-13. Review status: criteria provided, single submitter. Criteria: Ambry Variant Classification Scheme 2023. Collection method: clinical testing. Allele origin: germline.

Labcorp Genetics (formerly Invitae), Labcorp
Classification: Uncertain significance. Last evaluated: 2024-06-21. Review status: criteria provided, single submitter. Criteria: Invitae Variant Classification Sherloc (09022015). Collection method: clinical testing. Allele origin: germline.
Comment: This sequence change replaces proline, which is neutral and non-polar, with leucine, which is neutral and non-polar, at codon 384 of the CHRNA2 protein (p.Pro384Leu). This variant is present in population databases (rs777510962, gnomAD 0.002%). This variant has not been reported in the literature in individuals affected with CHRNA2-related conditions. ClinVar contains an entry for this variant (Variation ID: 960624). Advanced modeling of protein sequence and biophysical properties (such as structural, functional, and spatial information, amino acid conservation, physicochemical variation, residue mobility, and thermodynamic stability) performed at Invitae indicates that this missense variant is not expected to disrupt CHRNA2 protein function with a negative predictive value of 80%. In summary, the available evidence is currently insufficient to determine the role of this variant in disease. Therefore, it has been classified as a Variant of Uncertain Significance.